The following is an entry in ClinVar:

NM_152383.5(DIS3L2):c.2537C>T (p.Ala846Val)

Gene: DIS3L2 (DIS3 like 3'-5' exoribonuclease 2; plus strand). Cytogenetic location: 2q37.1.
Variant type: single nucleotide variant.
Coding change: c.2537C>T on transcript NM_152383.5 (MANE Select); coding-DNA position 2537, C replaced by T.
Protein change: p.Ala846Val; replaces alanine 846 with valine.
Molecular consequence: missense variant. On other transcripts: non-coding transcript variant (2), intron variant (1).
Genome position (GRCh38, 1-based): chr2:232,336,509, C>T. VCF-style: chr2-232336509-C-T. GRCh37 (hg19) VCF-style: chr2-233201219-C-T.
Other names: c.1582-6836C>T (NM_001257281.2); short protein forms A846V.
Identifiers: ClinVar variation 944895 (VCV000944895.10), dbSNP rs750551409, ClinGen allele CA66932442.
Genomic context (GRCh38, chr2:232,336,509, plus strand): 5'-CACGGCTGGGCTCTGCACAGGTCATCACCATCTTCAGCCTGGTGGAGGTGGTCCTGCAGG[C>T]AGAGTCCACAGCCCTCAAGTACAGCGCCATCCTGAAGCGGCCAGGCACCCAGGGCCACCT-3'
Protein context (NP_689596.4, residues 836-856): IFSLVEVVLQ[Ala846Val]ESTALKYSAI

ClinVar aggregate classification (germline): Uncertain significance. Review status: criteria provided, multiple submitters, no conflicts (2 of 4 stars). 2 submissions from 2 submitters: Uncertain significance (2). Last evaluated 2024-07-02.

Conditions:
Inborn genetic diseases. Identifiers: MedGen C0950123, MeSH D030342.
Perlman syndrome (PRLMNS). Identifiers: Orphanet 2849, MedGen C0796113, MONDO:0009965, OMIM 267000.

Allele frequency attached by ClinVar (database versions not stated): gnomAD 0.00001; gnomAD exomes 0.00001.
gnomAD v4.1: 15 of 1,611,118 alleles (0.00093%); highest among the groups gnomAD compares: African/African-American, 0.0013%; no homozygotes.

Submissions (2):

Ambry Genetics
Classification: Uncertain significance for Inborn genetic diseases. Last evaluated: 2024-07-02. Review status: criteria provided, single submitter. Criteria: Ambry Variant Classification Scheme 2023. Collection method: clinical testing. Allele origin: germline.

Labcorp Genetics (formerly Invitae), Labcorp
Classification: Uncertain significance for Perlman syndrome. Last evaluated: 2024-04-15. Review status: criteria provided, single submitter. Criteria: Invitae Variant Classification Sherloc (09022015). Collection method: clinical testing. Allele origin: germline.
Comment: This sequence change replaces alanine, which is neutral and non-polar, with valine, which is neutral and non-polar, at codon 846 of the DIS3L2 protein (p.Ala846Val). This variant is not present in population databases (gnomAD no frequency). This variant has not been reported in the literature in individuals affected with DIS3L2-related conditions. ClinVar contains an entry for this variant (Variation ID: 944895). Advanced modeling of protein sequence and biophysical properties (such as structural, functional, and spatial information, amino acid conservation, physicochemical variation, residue mobility, and thermodynamic stability) performed at Invitae indicates that this missense variant is not expected to disrupt DIS3L2 protein function with a negative predictive value of 80%. In summary, the available evidence is currently insufficient to determine the role of this variant in disease. Therefore, it has been classified as a Variant of Uncertain Significance.